The following continues an entry in ClinVar:

NM_001042492.3(NF1):c.3826C>T (p.Arg1276Ter)

Gene: NF1. ClinVar aggregate classification (germline): Pathogenic. Pathogenic (31).

Submissions 15 to 36 of 36:

MGZ Medical Genetics Center
Classification: Pathogenic for Neurofibromatosis, type 1. Last evaluated: 2022-07-22. Review status: criteria provided, single submitter. Criteria: ACMG Guidelines, 2015. Collection method: clinical testing. Allele origin: germline. Affected: yes. Observed: 1 variant allele.
Comment: ACMG criteria applied: PVS1, PS4_MOD, PM2_SUP, PP4

Women's Health and Genetics/Laboratory Corporation of America, LabCorp
Classification: Pathogenic for Neurofibromatosis, type 1. Last evaluated: 2022-06-07. Review status: criteria provided, single submitter. Criteria: LabCorp Variant Classification Summary - May 2015. Collection method: clinical testing. Allele origin: germline.
Comment: Variant summary: NF1 c.3826C>T (p.Arg1276X) results in a premature termination codon, predicted to cause a truncation of the encoded protein or absence of the protein due to nonsense mediated decay, which are commonly known mechanisms for disease. Truncations downstream of this position have been classified as pathogenic by our laboratory. The variant allele was found at a frequency of 4e-06 in 251202 control chromosomes (gnomAD). c.3826C>T has been reported in the literature in multiple individuals affected with Neurofibromatosis Type 1 (Examples: Valero_2011, Nemethova_2013 and Mao_2018). These data indicate that the variant is very likely to be associated with disease. Fourteen submitters have submitted clinical-significance assessments for this variant to ClinVar after 2014 and all classified the variant as pathogenic. Based on the evidence outlined above, the variant was classified as pathogenic.

Genome-Nilou Lab
Classification: Pathogenic for Neurofibromatosis, type 1. Last evaluated: 2022-03-15. Review status: criteria provided, single submitter. Criteria: ACMG Guidelines, 2015. Collection method: clinical testing. Allele origin: germline. Affected: no.

Pars Genome Lab
Classification: Pathogenic for Neurofibromatosis, type 1. Last evaluated: 2021-08-30. Review status: criteria provided, single submitter. Criteria: ACMG Guidelines, 2015. Collection method: clinical testing. Allele origin: de novo. Inheritance: Autosomal dominant inheritance. Affected: yes.

CeGaT Center for Human Genetics Tuebingen
Classification: Pathogenic. Last evaluated: 2021-07-01. Review status: criteria provided, single submitter. Criteria: CeGaT Center For Human Genetics Tuebingen Variant Classification Criteria Version 2. Collection method: clinical testing. Allele origin: germline. Affected: yes. Observed: 2 variant alleles.

Genome Diagnostics Laboratory, The Hospital for Sick Children
Classification: Pathogenic for Neurofibromatosis, type 1. Last evaluated: 2020-10-26. Review status: criteria provided, single submitter. Criteria: ACMG Guidelines, 2015. Collection method: clinical testing. Allele origin: germline. Affected: yes.

Medical Genetics, University of Parma
Classification: Pathogenic for Neurofibromatosis, type 1. Last evaluated: 2019-12-20. Review status: criteria provided, single submitter. Criteria: ACMG Guidelines, 2015. Collection method: clinical testing. Allele origin: germline. Affected: yes.

Centre for Mendelian Genomics, University Medical Centre Ljubljana
Classification: Pathogenic for Neurofibromatosis, type 1. Last evaluated: 2019-03-26. Review status: criteria provided, single submitter. Criteria: ACMG Guidelines, 2015. Collection method: clinical testing. Allele origin: unknown. Affected: yes.
Comment: This variant was classified as: Pathogenic. The following ACMG criteria were applied in classifying this variant: PVS1,PS1,PP3.

Institute of Human Genetics, University of Leipzig Medical Center
Classification: Pathogenic for Neurofibromatosis, type 1. Last evaluated: 2019-01-21. Review status: criteria provided, single submitter. Criteria: ACMG Guidelines, 2015. Collection method: clinical testing. Allele origin: germline. Affected: yes. Observed: 1 variant allele.

Center for Human Genetics, Inc
Classification: Pathogenic for Neurofibromatosis, type 1. Last evaluated: 2016-11-01. Review status: criteria provided, single submitter. Criteria: ACMG Guidelines, 2015. Collection method: clinical testing. Allele origin: germline. Affected: yes.

Genetic Services Laboratory, University of Chicago
Classification: Pathogenic for Neurofibromatosis, type 1. Last evaluated: 2016-04-09. Review status: criteria provided, single submitter. Criteria: ACMG Guidelines, 2015. Collection method: clinical testing. Allele origin: germline. Affected: yes.

Genomic Diagnostic Laboratory, Division of Genomic Diagnostics, Children's Hospital of Philadelphia
Classification: Pathogenic. Last evaluated: 2015-10-20. Review status: criteria provided, single submitter. Criteria: DGD Variant Analysis Guidelines. Collection method: clinical testing. Allele origin: unknown.

Ambry Genetics
Classification: Pathogenic for Hereditary cancer-predisposing syndrome. Last evaluated: 2015-03-09. Review status: criteria provided, single submitter. Criteria: Ambry Autosomal Dominant and X-Linked criteria (10/2015). Collection method: clinical testing. Allele origin: germline. Observed: 1 variant allele.
Comment: The p.R1276* pathogenic mutation (also known as c.3826C>T) located in coding exon 28 of the NF1 gene, results from a C to T substitution at nucleotide position 3826. This changes the amino acid from an arginine to a stop codon within coding exon 28. This mutation was originally reported in a childwho had multiple cafe au lait spots, but did not fulfill NIH criteria for Neurofibromatosis type 1 (NF1) (Heim RA, et al.Hum. Mol. Genet. 1995;4(6):975-81).In another report, this mutation was identified in two unrelated individuals who met the NIH clinical criteria for NF1 (Valero MC, et al. J Mol Diagn 2011;13(2):113-22).In addition to the clinical data presented in the literature, since premature stop codons are typically deleterious in nature, this alteration is interpreted as a disease-causing mutation (ACMG Recommendations for Standards for Interpretation and Reporting of Sequence Variations. Revision 2007. Genet Med. 2008;10:294).

Imagene.me medical diagnostic laboratory, IMAGENE.ME SA
Classification: Pathogenic for Neurofibromatosis, type 1. Review status: criteria provided, single submitter. Criteria: IMAGENE.ME Variant Classification SOP 2022. Collection method: clinical testing. Allele origin: germline. Affected: yes.
Comment: Classified according to the IMAGENE.ME variant classification SOP based on the ACMG guidelines as Pathogenic (P): PVS1 + PS4 + PM2 + PP4

Juno Genomics, Hangzhou Juno Genomics, Inc
Classification: Pathogenic for Neurofibromatosis, type 1. Review status: criteria provided, single submitter. Criteria: ACMG Guidelines, 2015. Collection method: clinical testing. Allele origin: germline. Affected: yes.
Comment: Null variant in a gene where loss of function (LOF) is a known mechanism of disease.;Absent from controls (or at extremely low frequency if recessive) in Genome Aggregation Database, Exome Sequencing Project, 1000 Genomes Project, or Exome Aggregation Consortium.;The prevalence of the variant in affected individuals is significantly increased compared to the prevalence in controls.;Patient's phenotype or family history is highly specific for a disease with a single genetic etiology.

Neuberg Centre For Genomic Medicine, NCGM
Classification: Pathogenic for Neurofibromatosis, type 1. Review status: criteria provided, single submitter. Criteria: ACMG Guidelines, 2015. Collection method: clinical testing. Allele origin: germline. Inheritance: Autosomal dominant inheritance. Affected: yes.
Comment: The observed stop gained variant c.3826C>T (p.Arg1276Ter) in NF1 gene has been reported in heterozygous state in multiple individuals affected with Neurofibromatosis Type 1 (Napolitano F et al. 2022; Zhang ZY et al. 2021; Mao B et al. 2018). Loss-of-function variants in NF1 are known to be pathogenic (Sabbagh A et al. 2013). The p.Arg1276Ter variant has allele frequency 0.0004% in gnomAD Exomes. This variant has been submitted to the ClinVar database as Pathogenic (multiple submitters). The nucleotide change c.3826C>T in NF1 is predicted as conserved by GERP++ and PhyloP across 100 vertebrates. This variant is predicted to cause loss of normal protein function through protein truncation. Loss of function variants have been previously reported to be disease causing. For these reasons, this variant has been classified as Pathogenic.

Suma Genomics
Classification: Pathogenic for Neurofibromatosis, type 1. Review status: criteria provided, single submitter. Criteria: ACMG Guidelines, 2015. Collection method: clinical testing. Allele origin: de novo. Inheritance: Autosomal dominant inheritance. Affected: yes.

Human Genome Sequencing Center Clinical Lab, Baylor College of Medicine
Classification: Pathogenic for Rhabdomyosarcoma. Last evaluated: 2020-09-01. Review status: no assertion criteria provided. Collection method: provider interpretation. Allele origin: germline. Affected: yes. Not counted in ClinVar's aggregate classification.

Clinical Molecular Genetics Laboratory, Johns Hopkins All Children's Hospital
Classification: Pathogenic for Neurofibromatosis, type 1. Last evaluated: 2016-03-09. Review status: no assertion criteria provided. Collection method: clinical testing. Allele origin: germline. Affected: yes. Not counted in ClinVar's aggregate classification.

Clinical Genetics DNA and cytogenetics Diagnostics Lab, Erasmus MC, Erasmus Medical Center
Classification: Pathogenic. Review status: no assertion criteria provided. Collection method: clinical testing. Allele origin: germline. Affected: yes. Study: VKGL Data-share Consensus. Not counted in ClinVar's aggregate classification.

Diagnostic Laboratory, Department of Genetics, University Medical Center Groningen
Classification: Pathogenic. Review status: no assertion criteria provided. Collection method: clinical testing. Allele origin: germline. Affected: yes. Study: VKGL Data-share Consensus. Not counted in ClinVar's aggregate classification.

Joint Genome Diagnostic Labs from Nijmegen and Maastricht, Radboudumc and MUMC+
Classification: Pathogenic. Review status: no assertion criteria provided. Collection method: clinical testing. Allele origin: germline. Affected: yes. Study: VKGL Data-share Consensus. Not counted in ClinVar's aggregate classification.

Literature cited by the submitters: PubMed 21354044 (cited by 3 submitters); PubMed 26056819 (cited by 4 submitters); PubMed 29914388 (cited by 3 submitters); PubMed 29915382 (cited by Ambry Genetics); PubMed 30530636 (cited by Ambry Genetics); PubMed 31766501 (cited by Ambry Genetics); PubMed 10712197 (cited by 3 submitters); PubMed 23913538 (cited by Labcorp Genetics (formerly Invitae), Labcorp and Institute for Genomic Medicine (IGM) Clinical Laboratory, Nationwide Children's Hospital); PubMed 7655472 (cited by 4 submitters); PubMed 10862084 (cited by Labcorp Genetics (formerly Invitae), Labcorp and Athena Diagnostics); PubMed 11857752 (cited by Labcorp Genetics (formerly Invitae), Labcorp and Athena Diagnostics); PubMed 16944272 (cited by Labcorp Genetics (formerly Invitae), Labcorp and Athena Diagnostics); PubMed 23668869 (cited by 3 submitters); PubMed 23758643 (cited by Institute for Genomic Medicine (IGM) Clinical Laboratory, Nationwide Children's Hospital and Women's Health and Genetics/Laboratory Corporation of America, LabCorp); PubMed 33372952 (cited by Institute for Genomic Medicine (IGM) Clinical Laboratory, Nationwide Children's Hospital and Human Genome Sequencing Center Clinical Lab, Baylor College of Medicine); PubMed 16690971 (cited by Athena Diagnostics); PubMed 8302341 (cited by Athena Diagnostics); PubMed 9180088 (cited by Athena Diagnostics); PubMed 10678181 (cited by Women's Health and Genetics/Laboratory Corporation of America, LabCorp); PubMed 23460398 (cited by Women's Health and Genetics/Laboratory Corporation of America, LabCorp); PubMed 29872168 (cited by Women's Health and Genetics/Laboratory Corporation of America, LabCorp); PubMed 27069254 (cited by Women's Health and Genetics/Laboratory Corporation of America, LabCorp).